The following is an entry in ClinVar:

NM_000020.3(ACVRL1):c.1220A>G (p.Glu407Gly)

Gene: ACVRL1 (activin A receptor like type 1; plus strand). Cytogenetic location: 12q13.13.
Variant type: single nucleotide variant.
Coding change: c.1220A>G on transcript NM_000020.3 (MANE Select); coding-DNA position 1220, A replaced by G.
Protein change: p.Glu407Gly; replaces glutamic acid 407 with glycine.
Molecular consequence: missense variant.
Genome position (GRCh38, 1-based): chr12:51,916,207, A>G. VCF-style: chr12-51916207-A-G. GRCh37 (hg19) VCF-style: chr12-52309991-A-G.
Other names: c.1220A>G, p.Glu407Gly (NM_001077401.2); short protein forms E407G.
Identifiers: ClinVar variation 570820 (VCV000570820.9), dbSNP rs1565595121, ClinGen allele CA384902991.
Genomic context (GRCh38, chr12:51,916,207, plus strand): 5'-CGGACTGCTTTGAGTCCTACAAGTGGACTGACATCTGGGCCTTTGGCCTGGTGCTGTGGG[A>G]GATTGCCCGCCGGACCATCGTGAATGGTGAGGGCCCACCCTACACAGGGTAGGGAAAGGG-3'
Protein context (NP_000011.2, residues 397-417): DIWAFGLVLW[Glu407Gly]IARRTIVNGI

ClinVar aggregate classification (germline): Pathogenic (1 of 4 stars; one submission).

Conditions:
Telangiectasia, hereditary hemorrhagic, type 2 (HHT2). Also called: ACVRL1-Related Hereditary Hemorrhagic Telangiectasia; Telangiectasia, hereditary hemorrhagic, type II. Identifiers: Orphanet 774, MedGen C1838163, MONDO:0010880, OMIM 600376. Disease mechanism: loss of function.

Submission:

Labcorp Genetics (formerly Invitae), Labcorp
Classification: Pathogenic for Telangiectasia, hereditary hemorrhagic, type 2. Last evaluated: 2024-09-16. Review status: criteria provided, single submitter. Criteria: Invitae Variant Classification Sherloc (09022015). Collection method: clinical testing. Allele origin: germline.
Comment: This sequence change replaces glutamic acid, which is acidic and polar, with glycine, which is neutral and non-polar, at codon 407 of the ACVRL1 protein (p.Glu407Gly). This variant is not present in population databases (gnomAD no frequency). This missense change has been observed in individual(s) with hereditary hemorrhagic telangiectasia (PMID: 18495117). It has also been observed to segregate with disease in related individuals. ClinVar contains an entry for this variant (Variation ID: 570820). Invitae Evidence Modeling of protein sequence and biophysical properties (such as structural, functional, and spatial information, amino acid conservation, physicochemical variation, residue mobility, and thermodynamic stability) indicates that this missense variant is expected to disrupt ACVRL1 protein function with a positive predictive value of 95%. This variant disrupts the p.Glu407 amino acid residue in ACVRL1. Other variant(s) that disrupt this residue have been determined to be pathogenic (PMID: 12843319, 15712270, 23722869). This suggests that this residue is clinically significant, and that variants that disrupt this residue are likely to be disease-causing. For these reasons, this variant has been classified as Pathogenic.

Literature cited by the submitters: PubMed 18495117; PubMed 12843319; PubMed 15712270; PubMed 23722869.